The following is an entry in ClinVar:

NM_001854.4(COL11A1):c.2369G>A (p.Gly790Asp)

Gene: COL11A1 (collagen type XI alpha 1 chain; minus strand). Cytogenetic location: 1p21.1.
Variant type: single nucleotide variant.
Coding change: c.2369G>A on transcript NM_001854.4 (MANE Select); coding-DNA position 2369, G replaced by A.
Protein change: p.Gly790Asp; replaces glycine 790 with aspartic acid.
Molecular consequence: missense variant. On other transcripts: non-coding transcript variant (1).
Genome position (GRCh38, 1-based): chr1:102,989,543, C>T on the plus strand (G>A on the coding strand, the complement: COL11A1 is on the minus strand). VCF-style: chr1-102989543-C-T. GRCh37 (hg19) VCF-style: chr1-103455099-C-T.
Other names: c.2252G>A, p.Gly751Asp (NM_001190709.2); c.2405G>A, p.Gly802Asp (NM_080629.3); c.2021G>A, p.Gly674Asp (NM_080630.4); c.2369G>A (NM_001854.3); short protein forms G790D, G802D, G674D, G751D.
Identifiers: ClinVar variation 289713 (VCV000289713.6), dbSNP rs886044242, ClinGen allele CA10606522.

ClinVar aggregate classification (germline): Conflicting classifications of pathogenicity. Review status: criteria provided, conflicting classifications (1 of 4 stars). 2 submissions from 2 submitters: Likely pathogenic (1); Uncertain significance (1). Last evaluated 2024-08-27.

Submissions (2):

GeneDx
Classification: Uncertain significance. Last evaluated: 2024-08-27. Review status: criteria provided, single submitter. Criteria: GeneDx Variant Classification Process June 2021. Collection method: clinical testing. Allele origin: germline. Affected: yes.
Comment: Not observed at significant frequency in large population cohorts (gnomAD); In silico analysis supports that this missense variant has a deleterious effect on protein structure/function; Has not been previously published as pathogenic or benign to our knowledge; This variant is associated with the following publications: (PMID: 25240749)

Eurofins Ntd Llc (ga)
Classification: Likely pathogenic. Last evaluated: 2016-08-09. Review status: criteria provided, single submitter. Criteria: EGL Classification Definitions 2015. Collection method: clinical testing. Allele origin: germline. Observed: 1 variant allele, 1 heterozygote.